The following is an entry in ClinVar:

ClinVar aggregate classification (germline): Uncertain significance (1 of 4 stars; one submission).

Submission:

GeneDx
Classification: Uncertain significance. Last evaluated: 2025-09-28. Review status: criteria provided, single submitter. Criteria: GeneDx Variant Classification Process June 2021. Collection method: clinical testing. Allele origin: germline.
Comment: Not observed at significant frequency in large population cohorts (gnomAD); In silico analysis supports that this missense variant has a deleterious effect on protein structure/function; Has not been previously published as pathogenic or benign to our knowledge

NM_001135651.3(EIF2AK2):c.1364T>C (p.Met455Thr)

Gene: EIF2AK2 (eukaryotic translation initiation factor 2 alpha kinase 2; minus strand). Cytogenetic location: 2p22.2.
Variant type: single nucleotide variant.
Coding change: c.1364T>C on transcript NM_001135651.3 (MANE Select); coding-DNA position 1364, T replaced by C.
Protein change: p.Met455Thr; replaces methionine 455 with threonine.
Molecular consequence: missense variant.
Genome position (GRCh38, 1-based): chr2:37,114,744, A>G on the plus strand (T>C on the coding strand, the complement: EIF2AK2 is on the minus strand). VCF-style: chr2-37114744-A-G. GRCh37 (hg19) VCF-style: chr2-37341887-A-G.
Other names: c.1241T>C, p.Met414Thr (NM_001135652.3); c.1364T>C, p.Met455Thr (NM_002759.4); short protein forms M414T, M455T.
Identifiers: ClinVar variation 3767750 (VCV003767750.2).